The following is an entry in ClinVar:

NM_000263.4(NAGLU):c.2131A>G (p.Ser711Gly)

Gene: NAGLU (N-acetyl-alpha-glucosaminidase; plus strand). Cytogenetic location: 17q21.2.
Variant type: single nucleotide variant.
Coding change: c.2131A>G on transcript NM_000263.4 (MANE Select); coding-DNA position 2131, A replaced by G.
Protein change: p.Ser711Gly; replaces serine 711 with glycine.
Molecular consequence: missense variant.
Genome position (GRCh38, 1-based): chr17:42,544,137, A>G. VCF-style: chr17-42544137-A-G. GRCh37 (hg19) VCF-style: chr17-40696155-A-G.
Other names: short protein forms S711G.
Identifiers: ClinVar variation 1394554 (VCV001394554.6), dbSNP rs1482294617, ClinGen allele CA399606226.
Genomic context (GRCh38, chr17:42,544,137, plus strand): 5'-CCTTTCCAACAGCACCAGTTTGACAAAAATGTCTTCCAACTGGAGCAGGCCTTCGTTCTC[A>G]GCAAGCAGAGGTACCCCAGCCAGCCGCGAGGAGACACTGTGGACCTGGCCAAGAAGATCT-3'
Protein context (NP_000254.2, residues 701-721): VFQLEQAFVL[Ser711Gly]KQRYPSQPRG

ClinVar aggregate classification (germline): Uncertain significance (1 of 4 stars; one submission).

Conditions:
Charcot-Marie-Tooth disease axonal type 2V. Also called: CHARCOT-MARIE-TOOTH NEUROPATHY, TYPE 2V; CHARCOT-MARIE-TOOTH DISEASE, AXONAL, AUTOSOMAL DOMINANT, TYPE 2V. Identifiers: Orphanet 447964, MedGen C5569050, MONDO:0014665, OMIM 616491.
Mucopolysaccharidosis, MPS-III-B (MPS3B). Also called: MPS IIIB (Sanfilippo Syndrome Type B); N-ACETYL-ALPHA-D-GLUCOSAMINIDASE DEFICIENCY; NAGLU DEFICIENCY; MUCOPOLYSACCHARIDOSIS, TYPE IIIB; Mucopolysaccharidosis type IIIB (Sanfilippo B); SANFILIPPO SYNDROME B. Identifiers: Orphanet 79270, MedGen C0086648, MONDO:0009656, OMIM 252920.

Allele frequency attached by ClinVar (database versions not stated): gnomAD exomes below 0.00001.
gnomAD v4.1: 1 of 1,614,054 alleles (0.000062%); highest among the groups gnomAD compares: East Asian, 0.0022%; no homozygotes.

Submission:

Labcorp Genetics (formerly Invitae), Labcorp
Classification: Uncertain significance for Charcot-Marie-Tooth disease axonal type 2V; Mucopolysaccharidosis, MPS-III-B. Last evaluated: 2021-11-22. Review status: criteria provided, single submitter. Criteria: Invitae Variant Classification Sherloc (09022015). Collection method: clinical testing. Allele origin: germline.
Comment: In summary, the available evidence is currently insufficient to determine the role of this variant in disease. Therefore, it has been classified as a Variant of Uncertain Significance. Advanced modeling of protein sequence and biophysical properties (such as structural, functional, and spatial information, amino acid conservation, physicochemical variation, residue mobility, and thermodynamic stability) performed at Invitae indicates that this missense variant is not expected to disrupt NAGLU protein function. This variant has not been reported in the literature in individuals affected with NAGLU-related conditions. This variant is present in population databases (no rsID available, gnomAD 0.006%). This sequence change replaces serine, which is neutral and polar, with glycine, which is neutral and non-polar, at codon 711 of the NAGLU protein (p.Ser711Gly).